The following is an entry in ClinVar:

ClinVar aggregate classification (germline): Benign (0 of 4 stars; one submission).

Conditions:
ZNF512B-related disorder. Also called: ZNF512B-related condition.

Allele frequency attached by ClinVar (database versions not stated): 1000 Genomes Project 0.00998; ExAC 0.01018; 1000 Genomes Project 30x 0.01093; gnomAD 0.01492; ESP Exome Variant Server 0.01538; TOPMed 0.01640.

Submission:

PreventionGenetics, part of Exact Sciences
Classification: Benign for ZNF512B-related condition. Last evaluated: 2019-06-25. Review status: no assertion criteria provided. Collection method: clinical testing. Allele origin: germline.
Comment: This variant is classified as benign based on ACMG/AMP sequence variant interpretation guidelines (Richards et al. 2015 PMID: 25741868, with internal and published modifications).

NM_020713.3(ZNF512B):c.2187C>T (p.Leu729=)

Gene: ZNF512B (zinc finger protein 512B; minus strand). Cytogenetic location: 20q13.33.
Variant type: single nucleotide variant.
Coding change: c.2187C>T on transcript NM_020713.3 (MANE Select); coding-DNA position 2187, C replaced by T.
Protein change: p.Leu729=; no amino-acid change (leucine 729 retained).
Molecular consequence: synonymous variant.
Genome position (GRCh38, 1-based): chr20:63,962,351, G>A on the plus strand (C>T on the coding strand, the complement: ZNF512B is on the minus strand). VCF-style: chr20-63962351-G-A. GRCh37 (hg19) VCF-style: chr20-62593704-G-A.
Identifiers: ClinVar variation 3055650 (VCV003055650.2), dbSNP rs817322, ClinGen allele CA9970841.